The following is an entry in ClinVar:

ClinVar aggregate classification (germline): Uncertain significance. Review status: criteria provided, multiple submitters, no conflicts (2 of 4 stars). 2 submissions from 2 submitters: Uncertain significance (2). Last evaluated 2023-01-28.

Conditions:
Cardiovascular phenotype. Identifiers: MedGen CN230736.
Sitosterolemia (STSL). Also called: PHYTOSTEROLEMIA. Identifiers: Orphanet 2882, MedGen C0342907, MONDO:0008863.

Allele frequency attached by ClinVar (database versions not stated): gnomAD 0.00001.
gnomAD v4.1: 38 of 1,613,982 alleles (0.0024%); highest among the groups gnomAD compares: Non-Finnish European, 0.003%; no homozygotes.

Submissions (2):

Ambry Genetics
Classification: Uncertain significance for Cardiovascular phenotype. Last evaluated: 2023-01-28. Review status: criteria provided, single submitter. Criteria: Ambry Variant Classification Scheme 2023. Collection method: clinical testing. Allele origin: germline.
Comment: The p.S484R variant (also known as c.1452T>G), located in coding exon 10 of the ABCG5 gene, results from a T to G substitution at nucleotide position 1452. The serine at codon 484 is replaced by arginine, an amino acid with dissimilar properties. This amino acid position is conserved. In addition, the in silico prediction for this alteration is inconclusive. Since supporting evidence is limited at this time, the clinical significance of this alteration remains unclear.

Labcorp Genetics (formerly Invitae), Labcorp
Classification: Uncertain significance for Sitosterolemia. Last evaluated: 2022-04-26. Review status: criteria provided, single submitter. Criteria: Invitae Variant Classification Sherloc (09022015). Collection method: clinical testing. Allele origin: germline.
Comment: This sequence change replaces serine, which is neutral and polar, with arginine, which is basic and polar, at codon 484 of the ABCG5 protein (p.Ser484Arg). This variant is present in population databases (no rsID available, gnomAD 0.0009%). This variant has not been reported in the literature in individuals affected with ABCG5-related conditions. Algorithms developed to predict the effect of missense changes on protein structure and function are either unavailable or do not agree on the potential impact of this missense change (SIFT: "Deleterious"; PolyPhen-2: "Possibly Damaging"; Align-GVGD: "Class C0"). In summary, the available evidence is currently insufficient to determine the role of this variant in disease. Therefore, it has been classified as a Variant of Uncertain Significance.

NM_022436.3(ABCG5):c.1452T>G (p.Ser484Arg)

Genes: ABCG5 (ATP binding cassette subfamily G member 5; minus strand), DYNC2LI1 (dynein cytoplasmic 2 light intermediate chain 1; plus strand). Cytogenetic location: 2p21.
Variant type: single nucleotide variant.
Coding change: c.1452T>G on transcript NM_022436.3 (MANE Select); coding-DNA position 1452, T replaced by G.
Protein change: p.Ser484Arg; replaces serine 484 with arginine.
Molecular consequence: missense variant. On other transcripts: intron variant (2).
Genome position (GRCh38, 1-based): chr2:43,822,808, A>C on the plus strand (T>G on the coding strand, the complement: ABCG5 is on the minus strand). VCF-style: chr2-43822808-A-C. GRCh37 (hg19) VCF-style: chr2-44049947-A-C.
Other names: c.*16-4578A>C (NM_001348913.2, NM_001348912.2); short protein forms S484R.
Identifiers: ClinVar variation 2068768 (VCV002068768.2), dbSNP rs1442809103, ClinGen allele CA346663754.